The following is an entry in ClinVar:

ClinVar aggregate classification (germline): Pathogenic (1 of 4 stars; one submission).

Conditions:
Generalized epilepsy-paroxysmal dyskinesia syndrome (PNKD3). Also called: Paroxysmal nonkinesigenic dyskinesia, 3, with or without generalized epilepsy; Generalized epilepsy and paroxysmal dyskinesia. Identifiers: Orphanet 79137, MedGen C5574945, MONDO:0012276, OMIM 609446.

Submission:

Labcorp Genetics (formerly Invitae), Labcorp
Classification: Pathogenic for Generalized epilepsy-paroxysmal dyskinesia syndrome. Last evaluated: 2020-01-21. Review status: criteria provided, single submitter. Criteria: Invitae Variant Classification Sherloc (09022015). Collection method: clinical testing. Allele origin: germline.
Comment: This variant has not been reported in the literature in individuals with KCNMA1-related conditions. This sequence change creates a premature translational stop signal (p.Leu102Profs*31) in the KCNMA1 gene. It is expected to result in an absent or disrupted protein product. This variant is not present in population databases (ExAC no frequency). Loss-of-function variants in KCNMA1 are known to be pathogenic (PMID: 27567911, 29545233). For these reasons, this variant has been classified as Pathogenic.

Literature cited by the submitters: PubMed 27567911; PubMed 29545233.

NM_001161352.2(KCNMA1):c.302dup (p.Leu102fs)

Gene: KCNMA1 (potassium calcium-activated channel subfamily M alpha 1; minus strand). Cytogenetic location: 10q22.3.
Variant type: Duplication.
Coding change: c.302dup on transcript NM_001161352.2 (MANE Select); coding-DNA position 302, one base duplicated (G; older notation c.302dupG).
Protein change: p.Leu102fs; shifts the reading frame from leucine 102.
Molecular consequence: frameshift variant.
Genome position (GRCh38, 1-based): chr10:77,637,341, C duplicated on the plus strand (G on the coding strand, the reverse complement: KCNMA1 is on the minus strand); the first of 5 consecutive C bases (chr10:77,637,341-77,637,345); duplicating any one gives the same sequence. VCF-style (leftmost placement, unchanged base first): chr10-77637340-G-GC. GRCh37 (hg19) VCF-style: chr10-79397098-G-GC.
Other names: c.302dup, p.Leu102fs (NM_001014797.3, NM_001161353.2, NM_001271518.2 and 12 more transcripts); short protein forms L102fs.
Identifiers: ClinVar variation 1072449 (VCV001072449.9), dbSNP rs753408207, ClinGen allele CA2499220389.